The following is an entry in ClinVar:

NM_001167623.2(CACNA1C):c.1126A>G (p.Met376Val)

Gene: CACNA1C (calcium voltage-gated channel subunit alpha1 C; plus strand). Cytogenetic location: 12p13.33.
Variant type: single nucleotide variant.
Coding change: c.1126A>G on transcript NM_001167623.2 (MANE Plus Clinical); coding-DNA position 1126, A replaced by G.
Protein change: p.Met376Val; replaces methionine 376 with valine.
Molecular consequence: missense variant. On other transcripts: intron variant (19).
Genome position (GRCh38, 1-based): chr12:2,504,448, A>G. VCF-style: chr12-2504448-A-G. GRCh37 (hg19) VCF-style: chr12-2613614-A-G.
Other names: c.1126A>G, p.Met376Val (NM_001129840.2, NM_001167624.3, NM_001167625.2); c.1114-394A>G (NM_199460.4, NM_001129827.2, NM_001129832.2 and 15 more transcripts); c.1105-394A>G (NM_001129844.2); short protein forms M376V.
Identifiers: ClinVar variation 3718768 (VCV003718768.4).

ClinVar aggregate classification (germline): Uncertain significance. Review status: criteria provided, multiple submitters, no conflicts (2 of 4 stars). 2 submissions from 2 submitters: Uncertain significance (2). Last evaluated 2026-03-19.

Conditions:
Long QT syndrome (LQTS). Identifiers: MedGen C0023976, MeSH D008133, MONDO:0002442. Disease mechanism: loss of function. Inheritance: Various modes of inheritance.

gnomAD v4.1: 1 of 1,598,478 alleles (0.000063%); highest among the groups gnomAD compares: Non-Finnish European, 0.000086%; no homozygotes.

Submissions (2):

Dasa
Classification: Uncertain significance. Last evaluated: 2026-03-19. Review status: criteria provided, single submitter. Criteria: DASA Assertion Criteria. Collection method: clinical testing. Allele origin: germline.
Comment: NM_001129840.2(CACNA1C):c.1126A>G (p.Met376Val) is a missense variant that results in the substitution of methionine with valine. This variant is rare in population databases. The currently available literature and clinical evidence are not sufficient to establish a definitive association between this variant and the reported condition. Therefore, this variant is classified as a variant of uncertain significance.

Labcorp Genetics (formerly Invitae), Labcorp
Classification: Uncertain significance for Long QT syndrome. Last evaluated: 2024-03-28. Review status: criteria provided, single submitter. Criteria: Invitae Variant Classification Sherloc (09022015). Collection method: clinical testing. Allele origin: germline.
Comment: The CACNA1C gene has multiple clinically relevant transcripts. This variant occurs in alternate transcript NM_001129840.1, and corresponds to NM_000719.6:c.1114-394A>G in the primary transcript. This sequence change replaces methionine, which is neutral and non-polar, with valine, which is neutral and non-polar, at codon 376 of the CACNA1C protein (p.Met376Val). This variant is not present in population databases (gnomAD no frequency). This variant has not been reported in the literature in individuals affected with CACNA1C-related conditions. Experimental studies and prediction algorithms are not available or were not evaluated, and the functional significance of this variant is currently unknown. In summary, the available evidence is currently insufficient to determine the role of this variant in disease. Therefore, it has been classified as a Variant of Uncertain Significance.